The following is an entry in ClinVar:

NM_000051.4(ATM):c.756T>C (p.Cys252=)

Gene: ATM (ATM serine/threonine kinase; plus strand). Cytogenetic location: 11q22.3.
Variant type: single nucleotide variant.
Coding change: c.756T>C on transcript NM_000051.4 (MANE Select); coding-DNA position 756, T replaced by C.
Protein change: p.Cys252=; no amino-acid change (cysteine 252 retained).
Molecular consequence: synonymous variant.
Genome position (GRCh38, 1-based): chr11:108,244,881, T>C. VCF-style: chr11-108244881-T-C. GRCh37 (hg19) VCF-style: chr11-108115608-T-C.
Other names: c.756T>C, p.Cys252= (NM_001351834.2).
Identifiers: ClinVar variation 920955 (VCV000920955.8), dbSNP rs2079762952, ClinGen allele CA476744704.

ClinVar aggregate classification (germline): Benign/Likely benign. Review status: criteria provided, multiple submitters, no conflicts (2 of 4 stars). 4 submissions from 4 submitters: Benign (1); Likely benign (3). Last evaluated 2024-04-23.

Conditions:
Hereditary cancer-predisposing syndrome. Also called: Hereditary Cancer Syndrome; Hereditary neoplastic syndrome; Neoplastic Syndromes, Hereditary; Tumor predisposition. Identifiers: Orphanet 140162, MedGen C0027672, MeSH D009386, MONDO:0015356.
Ataxia-telangiectasia syndrome (AT). Also called: Ataxia-telangiectasia, complementation group E; LOUIS-BAR SYNDROME; Cerebello-oculocutaneous telangiectasia; Immunodeficiency with ataxia telangiectasia; Ataxia-telangiectasia, complementation group D; AT, COMPLEMENTATION GROUP C. Identifiers: Orphanet 100, MedGen C0004135, MONDO:0008840, OMIM 208900.
Familial cancer of breast. Also called: hereditary breast carcinoma; BREAST CANCER, FAMILIAL; Hereditary breast cancer. Identifiers: Orphanet 227535, MedGen C0346153, MONDO:0016419, OMIM 114480. Disease mechanism: loss of function.

Submissions (4):

Myriad Genetics, Inc.
Classification: Benign for Familial cancer of breast. Last evaluated: 2024-04-23. Review status: criteria provided, single submitter. Criteria: Myriad Autosomal Dominant, Autosomal Recessive and X-Linked Classification Criteria (2023). Collection method: clinical testing. Allele origin: unknown.
Comment: This variant is considered benign. This variant is a silent/synonymous amino acid change and it is not expected to impact splicing.

Labcorp Genetics (formerly Invitae), Labcorp
Classification: Likely benign for Ataxia-telangiectasia syndrome. Last evaluated: 2023-11-16. Review status: criteria provided, single submitter. Criteria: Invitae Variant Classification Sherloc (09022015). Collection method: clinical testing. Allele origin: germline.

Ambry Genetics
Classification: Likely benign for Hereditary cancer-predisposing syndrome. Last evaluated: 2020-10-04. Review status: criteria provided, single submitter. Criteria: Ambry Variant Classification Scheme 2023. Collection method: clinical testing. Allele origin: germline.

Color Diagnostics, LLC DBA Color Health
Classification: Likely benign for Hereditary cancer-predisposing syndrome. Last evaluated: 2018-03-16. Review status: criteria provided, single submitter. Criteria: ACMG Guidelines, 2015. Collection method: clinical testing. Allele origin: germline.